The following is an entry in ClinVar:

ClinVar aggregate classification (germline): Uncertain significance (1 of 4 stars; one submission).

Conditions:
Neuropathy, hereditary sensory and autonomic, type 2A (HSAN2A). Also called: ACROOSTEOLYSIS, GIACCAI TYPE; ACROOSTEOLYSIS, NEUROGENIC; MORVAN DISEASE; NEUROPATHY, CONGENITAL SENSORY; NEUROPATHY, HEREDITARY SENSORY RADICULAR, AUTOSOMAL RECESSIVE; NEUROPATHY, HEREDITARY SENSORY, TYPE IIA. Identifiers: Orphanet 970, MedGen C2752089, MONDO:0024309, OMIM 201300.
Pseudohypoaldosteronism type 2C (PHA2C). Also called: Pseudohypoaldosteronism Type IIC. Identifiers: Orphanet 757, Orphanet 88940, MedGen C1840391, MONDO:0013778, OMIM 614492.

gnomAD v4.1: 1 of 1,614,150 alleles (0.000062%); highest among the groups gnomAD compares: Non-Finnish European, 0.000085%; no homozygotes.

Submission:

Labcorp Genetics (formerly Invitae), Labcorp
Classification: Uncertain significance for Neuropathy, hereditary sensory and autonomic, type 2A; Pseudohypoaldosteronism type 2C. Last evaluated: 2024-08-05. Review status: criteria provided, single submitter. Criteria: Invitae Variant Classification Sherloc (09022015). Collection method: clinical testing. Allele origin: germline.
Comment: This sequence change replaces phenylalanine, which is neutral and non-polar, with valine, which is neutral and non-polar, at codon 2210 of the WNK1 protein (p.Phe2210Val). This variant is not present in population databases (gnomAD no frequency). This variant has not been reported in the literature in individuals affected with WNK1-related conditions. Advanced modeling of protein sequence and biophysical properties (such as structural, functional, and spatial information, amino acid conservation, physicochemical variation, residue mobility, and thermodynamic stability) performed at Invitae indicates that this missense variant is not expected to disrupt WNK1 protein function with a negative predictive value of 95%. In summary, the available evidence is currently insufficient to determine the role of this variant in disease. Therefore, it has been classified as a Variant of Uncertain Significance.

NM_018979.4(WNK1):c.5872T>G (p.Phe1958Val)

Gene: WNK1 (WNK lysine deficient protein kinase 1; plus strand). Cytogenetic location: 12p13.33.
Variant type: single nucleotide variant.
Coding change: c.5872T>G on transcript NM_018979.4 (MANE Select); coding-DNA position 5872, T replaced by G.
Protein change: p.Phe1958Val; replaces phenylalanine 1958 with valine.
Molecular consequence: missense variant.
Genome position (GRCh38, 1-based): chr12:896,359, T>G. VCF-style: chr12-896359-T-G. GRCh37 (hg19) VCF-style: chr12-1005525-T-G.
Other names: c.6652T>G, p.Phe2218Val (NM_001184985.2); c.5128T>G, p.Phe1710Val (NM_014823.3); c.6628T>G, p.Phe2210Val (NM_213655.5); short protein forms F1710V, F1958V, F2210V, F2218V.
Identifiers: ClinVar variation 3751874 (VCV003751874.2).